The following is an entry in ClinVar:

ClinVar aggregate classification (germline): Likely benign. Review status: criteria provided, multiple submitters, no conflicts (2 of 4 stars). 2 submissions from 2 submitters: Likely benign (2). Last evaluated 2026-06-01.

Conditions:
Muscular dystrophy-dystroglycanopathy (congenital with brain and eye anomalies), type a, 8 (MDDGA8). Also called: WALKER-WARBURG SYNDROME OR MUSCLE-EYE-BRAIN DISEASE, GTDC2-RELATED. Identifiers: Orphanet 899, MedGen C3553813, MONDO:0013904, OMIM 614830.

Allele frequency attached by ClinVar (database versions not stated): gnomAD 0.00001; gnomAD exomes 0.00001; ExAC 0.00002; TOPMed 0.00003; ESP Exome Variant Server 0.00008.
gnomAD v4.1: 18 of 1,613,864 alleles (0.0011%); highest among the groups gnomAD compares: African/African-American, 0.0067%; no homozygotes.

Submissions (2):

CeGaT Center for Human Genetics Tuebingen
Classification: Likely benign. Last evaluated: 2026-06-01. Review status: criteria provided, single submitter. Criteria: CeGaT Center For Human Genetics Tuebingen Variant Classification Criteria Version 2. Collection method: clinical testing. Allele origin: germline. Affected: yes. Observed: 1 variant allele.
Comment: POMGNT2: BP4, BP7

Labcorp Genetics (formerly Invitae), Labcorp
Classification: Likely benign for Muscular dystrophy-dystroglycanopathy (congenital with brain and eye anomalies), type a, 8. Last evaluated: 2022-03-20. Review status: criteria provided, single submitter. Criteria: Invitae Variant Classification Sherloc (09022015). Collection method: clinical testing. Allele origin: germline.

NM_032806.6(POMGNT2):c.1476G>A (p.Ala492=)

Gene: POMGNT2 (protein O-linked mannose N-acetylglucosaminyltransferase 2 (beta 1,4-); minus strand). Cytogenetic location: 3p22.1.
Variant type: single nucleotide variant.
Coding change: c.1476G>A on transcript NM_032806.6 (MANE Select); coding-DNA position 1476, G replaced by A.
Protein change: p.Ala492=; no amino-acid change (alanine 492 retained).
Molecular consequence: synonymous variant.
Genome position (GRCh38, 1-based): chr3:43,079,956, C>T on the plus strand (G>A on the coding strand, the complement: POMGNT2 is on the minus strand). VCF-style: chr3-43079956-C-T. GRCh37 (hg19) VCF-style: chr3-43121448-C-T.
Identifiers: ClinVar variation 1529199 (VCV001529199.10), dbSNP rs371889758, ClinGen allele CA2339838.